The following is an entry in ClinVar:

NM_182961.4(SYNE1):c.17488G>C (p.Asp5830His)

Genes: SYNE1 (spectrin repeat containing nuclear envelope protein 1; minus strand), LOC129997480 (ATAC-STARR-seq lymphoblastoid active region 25287; plus strand). Cytogenetic location: 6q25.2.
Variant type: single nucleotide variant.
Coding change: c.17488G>C on transcript NM_182961.4 (MANE Select); coding-DNA position 17488, G replaced by C.
Protein change: p.Asp5830His; replaces aspartic acid 5830 with histidine.
Molecular consequence: missense variant.
Genome position (GRCh38, 1-based): chr6:152,301,922, C>G on the plus strand (G>C on the coding strand, the complement: SYNE1 is on the minus strand). VCF-style: chr6-152301922-C-G. GRCh37 (hg19) VCF-style: chr6-152623057-C-G.
Other names: c.17275G>C, p.Asp5759His (NM_033071.5); short protein forms D5759H, D5830H.
Identifiers: ClinVar variation 853930 (VCV000853930.10), dbSNP rs2095191599, ClinGen allele CA366103678.
Genomic context (GRCh38, chr6:152,301,922, plus strand): 5'-TCCTTACCATGACCACAGAGGGGTGGGCCGAAGGCGTGGGGAGGAGCTCCCCATCCAGGT[C>G]CTCTGTCCCTTCCGCCAGCCCCTCGACCTCGGTCACCGTCAGCAGCATGGTGGCGTGCTT-3'
Protein context (NP_892006.3, residues 5820-5840): EVEGLAEGTE[Asp5830His]LDGELLPTPS

ClinVar aggregate classification (germline): Uncertain significance (1 of 4 stars; one submission).

Conditions:
Emery-Dreifuss muscular dystrophy 4, autosomal dominant (EDMD4). Also called: EMERY-DREIFUSS MUSCULAR DYSTROPHY 4 WITH VARIABLE FEATURES. Identifiers: Orphanet 261, MedGen C2751807, MONDO:0013071, OMIM 612998.
Autosomal recessive ataxia, Beauce type. Also called: ATAXIA, RECESSIVE, OF BEAUCE; SYNE1 Deficiency; Spinocerebellar ataxia, autosomal recessive 8; SYNE1-Related Autosomal Recessive Cerebellar Ataxia. Identifiers: Orphanet 88644, MedGen C1853116, MONDO:0012549, OMIM 610743.

Submission:

Labcorp Genetics (formerly Invitae), Labcorp
Classification: Uncertain significance for Emery-Dreifuss muscular dystrophy 4, autosomal dominant; Autosomal recessive ataxia, Beauce type. Last evaluated: 2022-08-16. Review status: criteria provided, single submitter. Criteria: Invitae Variant Classification Sherloc (09022015). Collection method: clinical testing. Allele origin: germline.
Comment: This sequence change replaces aspartic acid, which is acidic and polar, with histidine, which is basic and polar, at codon 5759 of the SYNE1 protein (p.Asp5759His). This variant is not present in population databases (gnomAD no frequency). In summary, the available evidence is currently insufficient to determine the role of this variant in disease. Therefore, it has been classified as a Variant of Uncertain Significance. Algorithms developed to predict the effect of missense changes on protein structure and function are either unavailable or do not agree on the potential impact of this missense change (SIFT: "Deleterious"; PolyPhen-2: "Possibly Damaging"; Align-GVGD: "Class C0"). ClinVar contains an entry for this variant (Variation ID: 853930). This variant has not been reported in the literature in individuals affected with SYNE1-related conditions.